The following is an entry in ClinVar:

NM_001164508.2(NEB):c.1883A>G (p.Lys628Arg)

Gene: NEB (nebulin; minus strand). Cytogenetic location: 2q23.3.
Variant type: single nucleotide variant.
Coding change: c.1883A>G on transcript NM_001164508.2 (MANE Select); coding-DNA position 1883, A replaced by G.
Protein change: p.Lys628Arg; replaces lysine 628 with arginine.
Molecular consequence: missense variant.
Genome position (GRCh38, 1-based): chr2:151,694,336, T>C on the plus strand (A>G on the coding strand, the complement: NEB is on the minus strand). VCF-style: chr2-151694336-T-C. GRCh37 (hg19) VCF-style: chr2-152550850-T-C.
Other names: c.1883A>G, p.Lys628Arg (NM_001164507.2, NM_001271208.2, NM_004543.5); short protein forms K628R.
Identifiers: ClinVar variation 965615 (VCV000965615.11), dbSNP rs1176664285, ClinGen allele CA348824316.

ClinVar aggregate classification (germline): Uncertain significance. Review status: criteria provided, single submitter (1 of 4 stars). 2 submissions from 2 submitters: Uncertain significance (1). 1 of the submissions does not count toward it. Last evaluated 2021-08-31.

Conditions:
Nemaline myopathy 2 (NEM2). Also called: Nemaline myopathy 2, autosomal recessive. Identifiers: MedGen C1850569, MONDO:0009725, OMIM 256030.

Allele frequency attached by ClinVar (database versions not stated): TOPMed below 0.00001.
gnomAD v4.1: 4 of 1,613,848 alleles (0.00025%); highest among the groups gnomAD compares: South Asian, 0.0011%; no homozygotes.

Submissions (2):

Labcorp Genetics (formerly Invitae), Labcorp
Classification: Uncertain significance for Nemaline myopathy 2. Last evaluated: 2021-08-31. Review status: criteria provided, single submitter. Criteria: Invitae Variant Classification Sherloc (09022015). Collection method: clinical testing. Allele origin: germline.
Comment: This sequence change replaces lysine with arginine at codon 628 of the NEB protein (p.Lys628Arg). The lysine residue is moderately conserved and there is a small physicochemical difference between lysine and arginine. This variant is not present in population databases (ExAC no frequency). This variant has not been reported in the literature in individuals affected with NEB-related conditions. Algorithms developed to predict the effect of missense changes on protein structure and function are either unavailable or do not agree on the potential impact of this missense change (SIFT: "Deleterious"; PolyPhen-2: "Not Available"; Align-GVGD: "Class C0"). In summary, the available evidence is currently insufficient to determine the role of this variant in disease. Therefore, it has been classified as a Variant of Uncertain Significance.

Natera, Inc.
Classification: Uncertain significance for Nemaline myopathy type 2. Last evaluated: 2020-06-19. Review status: no assertion criteria provided. Collection method: clinical testing. Allele origin: germline. Not counted in ClinVar's aggregate classification.